The following is an entry in ClinVar:

NM_153460.4(IL17RC):c.617G>A (p.Cys206Tyr)

Gene: IL17RC (interleukin 17 receptor C; plus strand). Cytogenetic location: 3p25.3.
Variant type: single nucleotide variant.
Coding change: c.617G>A on transcript NM_153460.4 (MANE Select); coding-DNA position 617, G replaced by A.
Protein change: p.Cys206Tyr; replaces cysteine 206 with tyrosine.
Molecular consequence: missense variant. On other transcripts: intron variant (4).
Genome position (GRCh38, 1-based): chr3:9,920,964, G>A. VCF-style: chr3-9920964-G-A. GRCh37 (hg19) VCF-style: chr3-9962648-G-A.
Other names: c.502+362G>A (NM_001367279.1); c.617G>A, p.Cys206Tyr (NM_001203263.2, NM_001203264.2, NM_001367278.1); c.830G>A, p.Cys277Tyr (NM_153461.4); c.577+362G>A (NM_032732.6, NM_001367280.1, NM_001203265.2); short protein forms C206Y, C277Y.
Identifiers: ClinVar variation 2110457 (VCV002110457.4), dbSNP rs756078603, ClinGen allele CA351758380.

ClinVar aggregate classification (germline): Uncertain significance (1 of 4 stars; one submission).

Conditions:
Candidiasis, familial, 9 (CANDF9). Identifiers: Orphanet 1334, MedGen C4225324, MONDO:0014642, OMIM 616445.

Submission:

Labcorp Genetics (formerly Invitae), Labcorp
Classification: Uncertain significance for Candidiasis, familial, 9. Last evaluated: 2022-08-25. Review status: criteria provided, single submitter. Criteria: Invitae Variant Classification Sherloc (09022015). Collection method: clinical testing. Allele origin: germline.
Comment: Algorithms developed to predict the effect of missense changes on protein structure and function are either unavailable or do not agree on the potential impact of this missense change (SIFT: "Deleterious"; PolyPhen-2: "Probably Damaging"; Align-GVGD: "Class C0"). In summary, the available evidence is currently insufficient to determine the role of this variant in disease. Therefore, it has been classified as a Variant of Uncertain Significance. This variant has not been reported in the literature in individuals affected with IL17RC-related conditions. This variant is not present in population databases (gnomAD no frequency). This sequence change replaces cysteine, which is neutral and slightly polar, with tyrosine, which is neutral and polar, at codon 277 of the IL17RC protein (p.Cys277Tyr).